The following is an entry in ClinVar:

NM_004380.3(CREBBP):c.1151A>C (p.His384Pro)

Gene: CREBBP (CREB binding protein; minus strand). Cytogenetic location: 16p13.3.
Variant type: single nucleotide variant.
Coding change: c.1151A>C on transcript NM_004380.3 (MANE Select); coding-DNA position 1151, A replaced by C.
Protein change: p.His384Pro; replaces histidine 384 with proline.
Molecular consequence: missense variant.
Genome position (GRCh38, 1-based): chr16:3,793,451, T>G on the plus strand (A>C on the coding strand, the complement: CREBBP is on the minus strand). VCF-style: chr16-3793451-T-G. GRCh37 (hg19) VCF-style: chr16-3843452-T-G.
Other names: c.1151A>C, p.His384Pro (NM_001079846.1); short protein forms H384P.
Identifiers: ClinVar variation 3731080 (VCV003731080.1).

ClinVar aggregate classification (germline): Uncertain significance (1 of 4 stars; one submission).

Submission:

GeneDx
Classification: Uncertain significance. Last evaluated: 2024-08-14. Review status: criteria provided, single submitter. Criteria: GeneDx Variant Classification Process June 2021. Collection method: clinical testing. Allele origin: germline. Affected: yes.
Comment: Not observed at significant frequency in large population cohorts (gnomAD); In silico analysis supports that this missense variant has a deleterious effect on protein structure/function; Has not been previously published as pathogenic or benign to our knowledge